The following is an entry in ClinVar:

ClinVar aggregate classification (germline): Uncertain significance (1 of 4 stars; one submission).

Conditions:
Dystonic disorder. Also called: Dystonia. Identifiers: MedGen C0013421, MONDO:0003441, HP:0001332.

Submission:

Labcorp Genetics (formerly Invitae), Labcorp
Classification: Uncertain significance for Dystonic disorder. Last evaluated: 2023-03-13. Review status: criteria provided, single submitter. Criteria: Invitae Variant Classification Sherloc (09022015). Collection method: clinical testing. Allele origin: germline.
Comment: In summary, the available evidence is currently insufficient to determine the role of this variant in disease. Therefore, it has been classified as a Variant of Uncertain Significance. Algorithms developed to predict the effect of sequence changes on RNA splicing suggest that this variant may disrupt the consensus splice site. Advanced modeling of protein sequence and biophysical properties (such as structural, functional, and spatial information, amino acid conservation, physicochemical variation, residue mobility, and thermodynamic stability) performed at Invitae indicates that this missense variant is not expected to disrupt GNAL protein function. This variant has not been reported in the literature in individuals affected with GNAL-related conditions. This variant is not present in population databases (gnomAD no frequency). This sequence change replaces histidine, which is basic and polar, with glutamine, which is neutral and polar, at codon 66 of the GNAL protein (p.His66Gln).

NM_182978.4(GNAL):c.429C>G (p.His143Gln)

Gene: GNAL (G protein subunit alpha L; plus strand). Cytogenetic location: 18p11.21.
Variant type: single nucleotide variant.
Coding change: c.429C>G on transcript NM_182978.4 (MANE Select); coding-DNA position 429, C replaced by G.
Protein change: p.His143Gln; replaces histidine 143 with glutamine.
Molecular consequence: missense variant.
Genome position (GRCh38, 1-based): chr18:11,752,905, C>G. VCF-style: chr18-11752905-C-G. GRCh37 (hg19) VCF-style: chr18-11752904-C-G.
Other names: c.198C>G, p.His66Gln (NM_001142339.3, NM_001261443.2, NM_001369387.1); short protein forms H66Q, H143Q.
Identifiers: ClinVar variation 2797918 (VCV002797918.3), dbSNP rs768189751, ClinGen allele CA401926236.
Genomic context (GRCh38, chr18:11,752,905, plus strand): 5'-GTTTGCAGGGGCTGGTGAGTCTGGGAAAAGCACTATCGTCAAACAGATGAGGATCCTGCA[C>G]GTCAATGGGTTTAATCCCGAGTAAGAATGTTCAGTTTGCTTCCAAACTGCATGCAAACTT-3'
Protein context (NP_892023.1, residues 133-153): STIVKQMRIL[His143Gln]VNGFNPEEKK